The following is an entry in ClinVar:

ClinVar aggregate classification (germline): Pathogenic/Likely pathogenic. Review status: criteria provided, multiple submitters, no conflicts (2 of 4 stars). 2 submissions from 2 submitters: Pathogenic (1); Likely pathogenic (1). Last evaluated 2023-05-10.

Conditions:
Familial adenomatous polyposis 1 (FAP1). Also called: POLYPOSIS, ADENOMATOUS INTESTINAL; FAMILIAL ADENOMATOUS POLYPOSIS 1, ATTENUATED. Identifiers: MedGen C2713442, MONDO:0021056, OMIM 175100. Disease mechanism: loss of function.

Submissions (2):

Myriad Genetics, Inc.
Classification: Pathogenic for Familial adenomatous polyposis 1. Last evaluated: 2023-05-10. Review status: criteria provided, single submitter. Criteria: Myriad Autosomal Dominant, Autosomal Recessive and X-Linked Classification Criteria (2023). Collection method: clinical testing. Allele origin: unknown.
Comment: This variant is considered pathogenic. This variant creates a termination codon and is predicted to result in premature protein truncation.

GeneDx
Classification: Likely pathogenic. Last evaluated: 2023-02-27. Review status: criteria provided, single submitter. Criteria: GeneDx Variant Classification Process June 2021. Collection method: clinical testing. Allele origin: germline. Affected: yes.
Comment: Nonsense variant predicted to result in protein truncation or nonsense mediated decay in a gene for which loss of function is a known mechanism of disease; Not observed at significant frequency in large population cohorts (gnomAD); Has not been previously published as pathogenic or benign to our knowledge

NM_000038.6(APC):c.4120G>T (p.Glu1374Ter)

Gene: APC (APC regulator of Wnt signaling pathway; plus strand). Cytogenetic location: 5q22.2.
Variant type: single nucleotide variant.
Coding change: c.4120G>T on transcript NM_000038.6 (MANE Select); coding-DNA position 4120, G replaced by T.
Protein change: p.Glu1374Ter; replaces glutamic acid 1374 with a stop codon.
Molecular consequence: nonsense. On other transcripts: non-coding transcript variant (2).
Genome position (GRCh38, 1-based): chr5:112,839,714, G>T. VCF-style: chr5-112839714-G-T. GRCh37 (hg19) VCF-style: chr5-112175411-G-T.
Other names: c.4120G>T, p.Glu1374Ter (NM_001127510.3, NM_001354895.2, NM_001407450.1); c.4066G>T, p.Glu1356Ter (NM_001127511.3); c.4174G>T, p.Glu1392Ter (NM_001354896.2, NM_001407447.1, NM_001407448.1 and 1 more transcripts); c.4150G>T, p.Glu1384Ter (NM_001354897.2); c.4045G>T, p.Glu1349Ter (NM_001354898.2); c.4036G>T, p.Glu1346Ter (NM_001354899.2); c.3997G>T, p.Glu1333Ter (NM_001354900.2); c.3943G>T, p.Glu1315Ter (NM_001354901.2, NM_001407453.1); and 11 more; short protein forms E1091*, E1214*, E1245*, E1248*, E1273*, E1283*, E1291*, E1315*.
Identifiers: ClinVar variation 2578046 (VCV002578046.2), dbSNP rs876659156, ClinGen allele CA16030354.